The following is an entry in ClinVar:

NM_015047.3(EMC1):c.305A>C (p.Asn102Thr)

Gene: EMC1 (ER membrane protein complex subunit 1; minus strand). Cytogenetic location: 1p36.13.
Variant type: single nucleotide variant.
Coding change: c.305A>C on transcript NM_015047.3 (MANE Select); coding-DNA position 305, A replaced by C.
Protein change: p.Asn102Thr; replaces asparagine 102 with threonine.
Molecular consequence: missense variant.
Genome position (GRCh38, 1-based): chr1:19,243,689, T>G on the plus strand (A>C on the coding strand, the complement: EMC1 is on the minus strand). VCF-style: chr1-19243689-T-G. GRCh37 (hg19) VCF-style: chr1-19570183-T-G.
Other names: c.305A>C, p.Asn102Thr (NM_001271427.2, NM_001271428.2, NM_001375820.1 and 1 more transcripts); c.239A>C, p.Asn80Thr (NM_001271429.2); short protein forms N102T, N80T.
Identifiers: ClinVar variation 4765871 (VCV004765871.1).

ClinVar aggregate classification (germline): Uncertain significance (1 of 4 stars; one submission).

Submission:

Labcorp Genetics (formerly Invitae), Labcorp
Classification: Uncertain significance. Last evaluated: 2025-08-14. Review status: criteria provided, single submitter. Criteria: Invitae Variant Classification Sherloc (09022015). Collection method: clinical testing. Allele origin: germline.
Comment: This sequence change replaces asparagine, which is neutral and polar, with threonine, which is neutral and polar, at codon 102 of the EMC1 protein (p.Asn102Thr). This variant is not present in population databases (gnomAD no frequency). This variant has not been reported in the literature in individuals affected with EMC1-related conditions. Invitae Evidence Modeling of protein sequence and biophysical properties (such as structural, functional, and spatial information, amino acid conservation, physicochemical variation, residue mobility, and thermodynamic stability) indicates that this missense variant is not expected to disrupt EMC1 protein function with a negative predictive value of 80%. In summary, the available evidence is currently insufficient to determine the role of this variant in disease. Therefore, it has been classified as a Variant of Uncertain Significance.